The following is an entry in ClinVar:

NM_022436.3(ABCG5):c.1303A>G (p.Met435Val)

Genes: ABCG5 (ATP binding cassette subfamily G member 5; minus strand), DYNC2LI1 (dynein cytoplasmic 2 light intermediate chain 1; plus strand). Cytogenetic location: 2p21.
Variant type: single nucleotide variant.
Coding change: c.1303A>G on transcript NM_022436.3 (MANE Select); coding-DNA position 1303, A replaced by G.
Protein change: p.Met435Val; replaces methionine 435 with valine.
Molecular consequence: missense variant. On other transcripts: intron variant (2).
Genome position (GRCh38, 1-based): chr2:43,823,934, T>C on the plus strand (A>G on the coding strand, the complement: ABCG5 is on the minus strand). VCF-style: chr2-43823934-T-C. GRCh37 (hg19) VCF-style: chr2-44051073-T-C.
Other names: c.*16-3452T>C (NM_001348913.2, NM_001348912.2); short protein forms M435V.
Identifiers: ClinVar variation 1769456 (VCV001769456.2), dbSNP rs2465999814, ClinGen allele CA346664082.
Genomic context (GRCh38, chr2:43,823,934, plus strand): 5'-AGGGAGAAAGAGGTGCACCTCCAGCACGTGGGCACTTACACAGATTCACAGCGTTCAGCA[T>C]GCCTGTGTACGGGGTGGCGCCCACAAACTGGTAAAGGAGACCTACGCGGTCCTGGATAGC-3'
Protein context (NP_071881.1, residues 425-445): QFVGATPYTG[Met435Val]LNAVNLFPVL

ClinVar aggregate classification (germline): Uncertain significance (1 of 4 stars; one submission).

Conditions:
Cardiovascular phenotype. Identifiers: MedGen CN230736.

Submission:

Ambry Genetics
Classification: Uncertain significance for Cardiovascular phenotype. Last evaluated: 2022-07-14. Review status: criteria provided, single submitter. Criteria: Ambry Variant Classification Scheme 2023. Collection method: clinical testing. Allele origin: germline.
Comment: The p.M435V variant (also known as c.1303A>G), located in coding exon 9 of the ABCG5 gene, results from an A to G substitution at nucleotide position 1303. The methionine at codon 435 is replaced by valine, an amino acid with highly similar properties. This amino acid position is conserved. In addition, the in silico prediction for this alteration is inconclusive. Since supporting evidence is limited at this time, the clinical significance of this alteration remains unclear.